The following is an entry in ClinVar:

ClinVar aggregate classification (germline): Benign. Review status: criteria provided, single submitter (1 of 4 stars). 2 submissions from 2 submitters: Benign (1). 1 of the submissions does not count toward it. Last evaluated 2026-01-31.

Conditions:
XPO5-related disorder. Also called: XPO5-related condition.

Allele frequency attached by ClinVar (database versions not stated): gnomAD exomes 0.00061 and 0.00026; gnomAD 0.00281 and 0.00303; ESP Exome Variant Server 0.00285; TOPMed 0.00315; ExAC 0.00076; 1000 Genomes Project 0.00260; 1000 Genomes Project 30x 0.00297.
gnomAD v4.1: 811 of 1,590,120 alleles (0.051%); highest among the groups gnomAD compares: African/African-American, 0.98%; 4 homozygotes.

Submissions (3):

Labcorp Genetics (formerly Invitae), Labcorp
Classification: Benign. Last evaluated: 2026-01-31. Review status: criteria provided, single submitter. Criteria: Invitae Variant Classification Sherloc (09022015). Collection method: clinical testing. Allele origin: germline.

PreventionGenetics, part of Exact Sciences
Classification: Benign for XPO5-related condition. Last evaluated: 2019-04-12. Review status: no assertion criteria provided. Collection method: clinical testing. Allele origin: germline. Not counted in ClinVar's aggregate classification.
Comment: This variant is classified as benign based on ACMG/AMP sequence variant interpretation guidelines (Richards et al. 2015 PMID: 25741868, with internal and published modifications).

Dr. Peter K. Rogan Lab, Western University
No classification provided (evidence only). Condition: Sarcoma. Review status: no classification provided. Collection method: in vitro. Allele origin: not applicable. Functional consequence: retained intron. Not counted in ClinVar's aggregate classification.

NM_020750.3(XPO5):c.2343-9T>G

Genes: POLR1C (RNA polymerase I and III subunit C; plus strand), XPO5 (exportin 5; minus strand). Cytogenetic location: 6p21.1.
Variant type: single nucleotide variant.
Coding change: c.2343-9T>G on transcript NM_020750.3 (MANE Select); 9 bases into the intron before coding-DNA position 2343, T replaced by G.
Molecular consequence: intron variant.
Genome position (GRCh38, 1-based): chr6:43,534,016, A>C on the plus strand (T>G on the coding strand, the complement: XPO5 is on the minus strand). VCF-style: chr6-43534016-A-C. GRCh37 (hg19) VCF-style: chr6-43501753-A-C.
Other names: c.922+12968A>C (NM_001363658.2).
Identifiers: ClinVar variation 714314 (VCV000714314.12), dbSNP rs114918329, ClinGen allele CA3826171.
Genomic context (GRCh38, chr6:43,534,016, plus strand): 5'-AGGCTCTGCCATTTTGGCTAGCATTTCTGGTGCATATAATGTATTGTGGGTTCTGAAAGA[A>C]ACAAGAATGCTATTGAGCTTTTCCATCTGATGCAGAAGGAAAGAGTGGGTTTTGCTTGTA-3'